The following is an entry in ClinVar:

NM_015656.2(KIF26A):c.5266G>A (p.Val1756Met)

Gene: KIF26A (kinesin family member 26A; plus strand). Cytogenetic location: 14q32.33.
Variant type: single nucleotide variant.
Coding change: c.5266G>A on transcript NM_015656.2 (MANE Select); coding-DNA position 5266, G replaced by A.
Protein change: p.Val1756Met; replaces valine 1756 with methionine.
Molecular consequence: missense variant.
Genome position (GRCh38, 1-based): chr14:104,178,705, G>A. VCF-style: chr14-104178705-G-A. GRCh37 (hg19) VCF-style: chr14-104645042-G-A.
Other names: short protein forms V1756M.
Identifiers: ClinVar variation 3765718 (VCV003765718.4).

ClinVar aggregate classification (germline): Uncertain significance. Review status: criteria provided, multiple submitters, no conflicts (2 of 4 stars). 3 submissions from 3 submitters: Uncertain significance (3). Last evaluated 2025-12-27.

gnomAD v4.1: 157 of 1,562,294 alleles (0.01%); highest among the groups gnomAD compares: African/African-American, 0.15%; no homozygotes.

Submissions (3):

GeneDx
Classification: Uncertain significance. Last evaluated: 2025-12-27. Review status: criteria provided, single submitter. Criteria: GeneDx Variant Classification Process June 2021. Collection method: clinical testing. Allele origin: germline.
Comment: Has not been previously published as pathogenic or benign to our knowledge; In silico analysis supports that this missense variant has a deleterious effect on protein structure/function

Ambry Genetics
Classification: Uncertain significance. Last evaluated: 2025-08-12. Review status: criteria provided, single submitter. Criteria: Ambry Variant Classification Scheme 2023. Collection method: clinical testing. Allele origin: germline.

Greenwood Genetic Center Diagnostic Laboratories, Greenwood Genetic Center
Classification: Uncertain significance. Last evaluated: 2024-10-21. Review status: criteria provided, single submitter. Criteria: ACMG Guidelines, 2015. Collection method: clinical testing. Allele origin: germline. Affected: yes.
Comment: No Rules Apply